The following is an entry in ClinVar:

ClinVar aggregate classification (germline): Uncertain significance (1 of 4 stars; one submission).

Conditions:
Inborn genetic diseases. Identifiers: MedGen C0950123, MeSH D030342.

Submission:

Ambry Genetics
Classification: Uncertain significance for Inborn genetic diseases. Last evaluated: 2025-07-04. Review status: criteria provided, single submitter. Criteria: Ambry Variant Classification Scheme 2023. Collection method: clinical testing. Allele origin: germline.
Comment: The p.L190F variant (also known as c.568C>T), located in coding exon 4 of the SBDS gene, results from a C to T substitution at nucleotide position 568. The leucine at codon 190 is replaced by phenylalanine, an amino acid with highly similar properties. This amino acid position is conserved. In addition, the in silico prediction for this alteration is inconclusive. Based on the available evidence, the clinical significance of this variant remains unclear.

NM_016038.4(SBDS):c.568C>T (p.Leu190Phe)

Gene: SBDS (SBDS ribosome maturation factor; minus strand). Cytogenetic location: 7q11.21.
Variant type: single nucleotide variant.
Coding change: c.568C>T on transcript NM_016038.4 (MANE Select); coding-DNA position 568, C replaced by T.
Protein change: p.Leu190Phe; replaces leucine 190 with phenylalanine.
Molecular consequence: missense variant.
Genome position (GRCh38, 1-based): chr7:66,991,193, G>A on the plus strand (C>T on the coding strand, the complement: SBDS is on the minus strand). VCF-style: chr7-66991193-G-A. GRCh37 (hg19) VCF-style: chr7-66456180-G-A.
Other names: short protein forms L190F.
Identifiers: ClinVar variation 4159803 (VCV004159803.1).